The following is an entry in ClinVar:

ClinVar aggregate classification (germline): Pathogenic (1 of 4 stars; one submission).

Conditions:
CHARGE syndrome (CHARGE). Also called: Hittner Hirsch Kreh syndrome; CHARGE ASSOCIATION--COLOBOMA, HEART ANOMALY, CHOANAL ATRESIA, RETARDATION, GENITAL AND EAR ANOMALIES; Coloboma, heart anomaly, choanal atresia, retardation, genital and ear anomalies; CHARGE association; Hall-Hittner syndrome. Identifiers: Orphanet 138, MedGen C0265354, MONDO:0008965.

Submission:

Labcorp Genetics (formerly Invitae), Labcorp
Classification: Pathogenic for CHARGE syndrome. Last evaluated: 2023-09-03. Review status: criteria provided, single submitter. Criteria: Invitae Variant Classification Sherloc (09022015). Collection method: clinical testing. Allele origin: germline.
Comment: This sequence change creates a premature translational stop signal (p.Ile2638Lysfs*14) in the CHD7 gene. It is expected to result in an absent or disrupted protein product. Loss-of-function variants in CHD7 are known to be pathogenic (PMID: 22461308, 25077900). This variant is not present in population databases (gnomAD no frequency). This variant has not been reported in the literature in individuals affected with CHD7-related conditions. For these reasons, this variant has been classified as Pathogenic.

Literature cited by the submitters: PubMed 22461308; PubMed 25077900.

NM_017780.4(CHD7):c.7913_7914del (p.Ile2638fs)

Gene: CHD7 (chromodomain helicase DNA binding protein 7; plus strand). Cytogenetic location: 8q12.2.
Variant type: Microsatellite.
Coding change: c.7913_7914del on transcript NM_017780.4 (MANE Select); coding-DNA positions 7913 to 7914, 2 bases deleted (TA; older notation c.7913_7914delTA).
Protein change: p.Ile2638fs; shifts the reading frame from isoleucine 2638.
Molecular consequence: frameshift variant.
Genome position (GRCh38, 1-based): chr8:60,862,278-60,862,279, TA deleted; deleting any 2 consecutive bases within chr8:60,862,275-60,862,279 gives the same sequence; the c. name uses the placement nearest the transcript's 3' end. VCF-style (leftmost placement, unchanged base first): chr8-60862274-GAT-G. GRCh37 (hg19) VCF-style: chr8-61774833-GAT-G.
Other names: c.1766_1767del, p.Ile589fs (NM_001316690.1); short protein forms I2638fs, I589fs.
Identifiers: ClinVar variation 2757544 (VCV002757544.3), dbSNP rs2488118228, ClinGen allele CA2697549940.